The following is an entry in ClinVar:

ClinVar aggregate classification (germline): Uncertain significance (1 of 4 stars; one submission).

Conditions:
NUDT9-related condition.

Submission:

PreventionGenetics, part of Exact Sciences
Classification: Uncertain significance for NUDT9-related condition. Last evaluated: 2024-11-14. Review status: criteria provided, single submitter. Criteria: ACMG Guidelines, 2015. Collection method: clinical testing. Allele origin: germline.
Comment: The NUDT9 c.833C>T variant is predicted to result in the amino acid substitution p.Ala278Val. To our knowledge, this variant has not been reported in the literature or in a large population database (gnomAD), indicating this variant is rare. At this time, the clinical significance of this variant is uncertain due to the absence of conclusive functional and genetic evidence.

NM_024047.5(NUDT9):c.833C>T (p.Ala278Val)

Gene: NUDT9 (nudix hydrolase 9; plus strand). Cytogenetic location: 4q22.1.
Variant type: single nucleotide variant.
Coding change: c.833C>T on transcript NM_024047.5 (MANE Select); coding-DNA position 833, C replaced by T.
Protein change: p.Ala278Val; replaces alanine 278 with valine.
Molecular consequence: missense variant.
Genome position (GRCh38, 1-based): chr4:87,454,414, C>T. VCF-style: chr4-87454414-C-T. GRCh37 (hg19) VCF-style: chr4-88375566-C-T.
Other names: c.737C>T, p.Ala246Val (NM_001248011.2); c.683C>T, p.Ala228Val (NM_198038.3); short protein forms A228V, A246V, A278V.
Identifiers: ClinVar variation 4984868 (VCV004984868.1).